The following is an entry in ClinVar:

ClinVar aggregate classification (germline): Likely benign. Review status: criteria provided, multiple submitters, no conflicts (2 of 4 stars). 4 submissions from 4 submitters: Likely benign (4). Last evaluated 2025-05-08.

Conditions:
HK1-related disorder. Also called: HK1-related disorders; HK1-related condition.

Allele frequency attached by ClinVar (database versions not stated): TOPMed 0.00001; gnomAD 0.00003; gnomAD exomes 0.00003 and 0.00004; ExAC 0.00004.
gnomAD v4.1: 61 of 1,612,470 alleles (0.0038%); highest among the groups gnomAD compares: South Asian, 0.0077%; no homozygotes.

Submissions (4):

PreventionGenetics, part of Exact Sciences
Classification: Likely benign for HK1-related condition. Last evaluated: 2025-05-08. Review status: criteria provided, single submitter. Criteria: ACMG Guidelines, 2015. Collection method: clinical testing. Allele origin: germline.
Comment: This variant is classified as likely benign based on ACMG/AMP sequence variant interpretation guidelines (Richards et al. 2015 PMID: 25741868, with internal and published modifications).

Labcorp Genetics (formerly Invitae), Labcorp
Classification: Likely benign. Last evaluated: 2025-02-03. Review status: criteria provided, single submitter. Criteria: Invitae Variant Classification Sherloc (09022015). Collection method: clinical testing. Allele origin: germline.

ARUP Laboratories, Molecular Genetics and Genomics, ARUP Laboratories
Classification: Likely benign. Last evaluated: 2022-11-28. Review status: criteria provided, single submitter. Criteria: ARUP Molecular Germline Variant Investigation Process 2021. Collection method: clinical testing. Allele origin: germline.

Blueprint Genetics
Classification: Likely benign. Last evaluated: 2018-10-02. Review status: criteria provided, single submitter. Criteria: ACMG Guidelines, 2015. Collection method: clinical testing. Allele origin: germline.

NM_000188.3(HK1):c.1545C>T (p.Phe515=)

Gene: HK1 (hexokinase 1; plus strand). Cytogenetic location: 10q22.1.
Variant type: single nucleotide variant.
Coding change: c.1545C>T on transcript NM_000188.3 (MANE Select); coding-DNA position 1545, C replaced by T.
Protein change: p.Phe515=; no amino-acid change (phenylalanine 515 retained).
Molecular consequence: synonymous variant.
Genome position (GRCh38, 1-based): chr10:69,382,766, C>T. VCF-style: chr10-69382766-C-T. GRCh37 (hg19) VCF-style: chr10-71142522-C-T.
Other names: c.1545C>T (NM_000188.2); c.1557C>T, p.Phe519= (NM_001322364.2, NM_001358263.1, NM_033497.3 and 1 more transcripts); c.1650C>T, p.Phe550= (NM_001322365.2); c.1461C>T, p.Phe487= (NM_001322366.1); c.1449C>T, p.Phe483= (NM_001322367.1); c.1542C>T, p.Phe514= (NM_033496.3); c.1509C>T, p.Phe503= (NM_033500.2).
Identifiers: ClinVar variation 1607279 (VCV001607279.12), dbSNP rs61751207, ClinGen allele CA5532620.